The following is an entry in ClinVar:

ClinVar aggregate classification (germline): Pathogenic (1 of 4 stars; one submission).

Conditions:
Donnai-Barrow syndrome. Also called: DBS/FOAR SYNDROME; FACIOOCULOACOUSTICORENAL SYNDROME. Identifiers: Orphanet 2143, MedGen C1857277, MONDO:0009104, OMIM 222448.

Submission:

Myriad Genetics, Inc.
Classification: Pathogenic for Donnai-Barrow syndrome. Last evaluated: 2024-06-14. Review status: criteria provided, single submitter. Criteria: Myriad Autosomal Dominant, Autosomal Recessive and X-Linked Classification Criteria (2023). Collection method: clinical testing. Allele origin: unknown.
Comment: NM_004525.2(LRP2):c.2683G>T(E895*) is expected to be pathogenic in the context of Donnai-Barrow syndrome. This variant is predicted to lead to an abnormal or absent protein product due to the creation of a premature termination codon in LRP2, a gene where loss-of-function variants are known to be pathogenic. Please note: this variant was assessed in the context of healthy population screening.

NM_004525.3(LRP2):c.2683G>T (p.Glu895Ter)

Gene: LRP2 (LDL receptor related protein 2; minus strand). Cytogenetic location: 2q31.1.
Variant type: single nucleotide variant.
Coding change: c.2683G>T on transcript NM_004525.3 (MANE Select); coding-DNA position 2683, G replaced by T.
Protein change: p.Glu895Ter; replaces glutamic acid 895 with a stop codon.
Molecular consequence: nonsense.
Genome position (GRCh38, 1-based): chr2:169,256,193, C>A on the plus strand (G>T on the coding strand, the complement: LRP2 is on the minus strand). VCF-style: chr2-169256193-C-A. GRCh37 (hg19) VCF-style: chr2-170112703-C-A.
Other names: short protein forms E895*.
Identifiers: ClinVar variation 5013180 (VCV005013180.1).